The following is an entry in ClinVar:

ClinVar aggregate classification (germline): Conflicting classifications of pathogenicity. Review status: criteria provided, conflicting classifications (1 of 4 stars). 4 submissions from 4 submitters: Uncertain significance (3); Likely benign (1). Last evaluated 2025-11-12.

Conditions:
Hennekam lymphangiectasia-lymphedema syndrome 2 (HKLLS2). Identifiers: Orphanet 2136, MedGen C4014939, MONDO:0014454, OMIM 616006.
Van Maldergem syndrome 2 (VMLDS2). Identifiers: Orphanet 314679, MedGen C3809875, MONDO:0014242, OMIM 615546.

Allele frequency attached by ClinVar (database versions not stated): ESP Exome Variant Server 0.00008; ExAC 0.00009; gnomAD 0.00009; TOPMed 0.00009; 1000 Genomes Project 0.00040; 1000 Genomes Project 30x 0.00047.
gnomAD v4.1: 174 of 1,614,052 alleles (0.011%); highest among the groups gnomAD compares: Admixed American, 0.025%; no homozygotes.

Submissions (4):

Labcorp Genetics (formerly Invitae), Labcorp
Classification: Likely benign. Last evaluated: 2025-11-12. Review status: criteria provided, single submitter. Criteria: Invitae Variant Classification Sherloc (09022015). Collection method: clinical testing. Allele origin: germline.

Women's Health and Genetics/Laboratory Corporation of America, LabCorp
Classification: Uncertain significance. Last evaluated: 2025-10-01. Review status: criteria provided, single submitter. Criteria: LabCorp Variant Classification Summary - May 2015. Collection method: clinical testing. Allele origin: germline.
Comment: Variant summary: FAT4 c.14356G>A (p.Gly4786Arg) results in a non-conservative amino acid change in the encoded protein sequence. Algorithms developed to predict the effect of missense changes on protein structure and function all suggest that this variant is likely to be disruptive. The variant allele was found at a frequency of 0.00011 in 250702 control chromosomes. This frequency is not significantly higher than estimated for disease-causing variants in FAT4, allowing no conclusion about variant significance. To our knowledge, no occurrence of c.14356G>A in individuals affected with FAT4-related conditions and no experimental evidence demonstrating its impact on protein function have been reported. ClinVar contains an entry for this variant (Variation ID: 1254011). Based on the evidence outlined above, the variant was classified as uncertain significance.

GeneDx
Classification: Uncertain significance. Last evaluated: 2025-05-07. Review status: criteria provided, single submitter. Criteria: GeneDx Variant Classification Process June 2021. Collection method: clinical testing. Allele origin: germline. Affected: yes.
Comment: In silico analysis supports that this missense variant has a deleterious effect on protein structure/function; Has not been previously published as pathogenic or benign to our knowledge; This variant is associated with the following publications: (PMID: Shinwari2023[Computational])

Fulgent Genetics
Classification: Uncertain significance for Van Maldergem syndrome 2; Hennekam lymphangiectasia-lymphedema syndrome 2. Last evaluated: 2024-04-20. Review status: criteria provided, single submitter. Criteria: ACMG Guidelines, 2015. Collection method: clinical testing. Allele origin: germline.

NM_001291303.3(FAT4):c.14362G>A (p.Gly4788Arg)

Gene: FAT4 (FAT atypical cadherin 4; plus strand). Cytogenetic location: 4q28.1.
Variant type: single nucleotide variant.
Coding change: c.14362G>A on transcript NM_001291303.3 (MANE Select); coding-DNA position 14362, G replaced by A.
Protein change: p.Gly4788Arg; replaces glycine 4788 with arginine.
Molecular consequence: missense variant.
Genome position (GRCh38, 1-based): chr4:125,491,178, G>A. VCF-style: chr4-125491178-G-A. GRCh37 (hg19) VCF-style: chr4-126412333-G-A.
Other names: c.14359G>A, p.Gly4787Arg (NM_001291285.3); c.14356G>A, p.Gly4786Arg (NM_024582.6); c.14356G>A (NM_024582.5); short protein forms G4786R, G4787R, G4788R.
Identifiers: ClinVar variation 1254011 (VCV001254011.15), dbSNP rs138173652, ClinGen allele CA3074546.